The following is an entry in ClinVar:

NM_020461.4(TUBGCP6):c.1051G>A (p.Glu351Lys)

Gene: TUBGCP6 (tubulin gamma complex component 6; minus strand). Cytogenetic location: 22q13.33.
Variant type: single nucleotide variant.
Coding change: c.1051G>A on transcript NM_020461.4 (MANE Select); coding-DNA position 1051, G replaced by A.
Protein change: p.Glu351Lys; replaces glutamic acid 351 with lysine.
Molecular consequence: missense variant.
Genome position (GRCh38, 1-based): chr22:50,233,381, C>T on the plus strand (G>A on the coding strand, the complement: TUBGCP6 is on the minus strand). VCF-style: chr22-50233381-C-T. GRCh37 (hg19) VCF-style: chr22-50671810-C-T.
Other names: c.1051G>A (NM_020461.3); short protein forms E351K.
Identifiers: ClinVar variation 1516034 (VCV001516034.9), dbSNP rs148478764, ClinGen allele CA10308852.

ClinVar aggregate classification (germline): Uncertain significance. Review status: criteria provided, multiple submitters, no conflicts (2 of 4 stars). 4 submissions from 4 submitters: Uncertain significance (4). Last evaluated 2025-12-11.

Conditions:
Inborn genetic diseases. Identifiers: MedGen C0950123, MeSH D030342.

Allele frequency attached by ClinVar (database versions not stated): ExAC 0.00003; gnomAD exomes 0.00003; gnomAD 0.00012 and 0.00013; TOPMed 0.00012; ESP Exome Variant Server 0.00023.
gnomAD v4.1: 41 of 1,613,914 alleles (0.0025%); highest among the groups gnomAD compares: African/African-American, 0.043%; no homozygotes.

Submissions (4):

Labcorp Genetics (formerly Invitae), Labcorp
Classification: Uncertain significance. Last evaluated: 2025-12-11. Review status: criteria provided, single submitter. Criteria: Invitae Variant Classification Sherloc (09022015). Collection method: clinical testing. Allele origin: germline.
Comment: This sequence change replaces glutamic acid, which is acidic and polar, with lysine, which is basic and polar, at codon 351 of the TUBGCP6 protein (p.Glu351Lys). This variant is present in population databases (rs148478764, gnomAD 0.04%). This variant has not been reported in the literature in individuals affected with TUBGCP6-related conditions. ClinVar contains an entry for this variant (Variation ID: 1516034). An algorithm developed to predict the effect of missense changes on protein structure and function (PolyPhen-2) suggests that this variant is likely to be disruptive. In summary, the available evidence is currently insufficient to determine the role of this variant in disease. Therefore, it has been classified as a Variant of Uncertain Significance.

Ambry Genetics
Classification: Uncertain significance for Inborn genetic diseases. Last evaluated: 2025-11-05. Review status: criteria provided, single submitter. Criteria: Ambry Variant Classification Scheme 2023. Collection method: clinical testing. Allele origin: germline.

Blueprint Genetics
Classification: Uncertain significance. Last evaluated: 2023-04-27. Review status: criteria provided, single submitter. Criteria: ACMG Guidelines, 2015. Collection method: clinical testing. Allele origin: germline.

Breakthrough Genomics
Classification: Uncertain significance. Review status: criteria provided, single submitter. Criteria: ACMG Guidelines, 2015. Collection method: not provided. Allele origin: germline. Inheritance: Autosomal dominant inheritance. Affected: yes.